The following is an entry in ClinVar:

ClinVar aggregate classification (germline): Benign (1 of 4 stars; one submission).

Conditions:
Metaphyseal chondrodysplasia, Schmid type (MCDS). Also called: SPONDYLOMETAPHYSEAL DYSPLASIA, JAPANESE TYPE. Identifiers: Orphanet 174, MedGen C0265289, MONDO:0007983, OMIM 156500.

Allele frequency attached by ClinVar (database versions not stated): gnomAD exomes 0.02392; 1000 Genomes Project 30x 0.04482; 1000 Genomes Project 0.04493; gnomAD 0.05125 and 0.05194; TOPMed 0.05196.
gnomAD v4.1: 7,823 of 152,610 alleles (5.1%); highest among the groups gnomAD compares: Middle Eastern, 6.8%; 230 homozygotes.

Submission:

Illumina Laboratory Services, Illumina
Classification: Benign for Metaphyseal chondrodysplasia, Schmid type. Last evaluated: 2018-01-12. Review status: criteria provided, single submitter. Criteria: ICSL Variant Classification Criteria 13 December 2019. Collection method: clinical testing. Allele origin: germline.
Comment: This variant was observed in the ICSL laboratory as part of a predisposition screen in an ostensibly healthy population. It had not been previously curated by ICSL or reported in the Human Gene Mutation Database (HGMD: prior to June 1st, 2018), and was therefore a candidate for classification through an automated scoring system. Utilizing variant allele frequency, disease prevalence and penetrance estimates, and inheritance mode, an automated score was calculated to assess if this variant is too frequent to cause the disease. Based on the score and internal cut-off values, a variant classified as benign is not then subjected to further curation. The score for this variant resulted in a classification of benign for this disease.

NM_000493.4(COL10A1):c.*1026G>A

Genes: COL10A1 (collagen type X alpha 1 chain; minus strand), NT5DC1 (5'-nucleotidase domain containing 1; plus strand). Cytogenetic location: 6q22.1.
Variant type: single nucleotide variant.
Coding change: c.*1026G>A on transcript NM_000493.4 (MANE Select); 1026 bases downstream of the stop codon, G replaced by A.
Molecular consequence: 3 prime UTR variant. On other transcripts: intron variant (1).
Genome position (GRCh38, 1-based): chr6:116,119,047, C>T on the plus strand (G>A on the coding strand, the complement: COL10A1 is on the minus strand). VCF-style: chr6-116119047-C-T. GRCh37 (hg19) VCF-style: chr6-116440210-C-T.
Other names: c.*1026G>A (NM_001424106.1, NM_001424107.1); c.529+1102C>T (NM_152729.3).
Identifiers: ClinVar variation 355069 (VCV000355069.5), dbSNP rs1059277, ClinGen allele CA10625650.